The following is an entry in ClinVar:

ClinVar aggregate classification (germline): Uncertain significance (1 of 4 stars; one submission).

Conditions:
Familial adenomatous polyposis 1 (FAP1). Also called: FAMILIAL ADENOMATOUS POLYPOSIS 1, ATTENUATED; POLYPOSIS, ADENOMATOUS INTESTINAL. Identifiers: MedGen C2713442, MONDO:0021056, OMIM 175100. Disease mechanism: loss of function.

Submission:

Labcorp Genetics (formerly Invitae), Labcorp
Classification: Uncertain significance for Familial adenomatous polyposis 1. Last evaluated: 2023-10-05. Review status: criteria provided, single submitter. Criteria: Invitae Variant Classification Sherloc (09022015). Collection method: clinical testing. Allele origin: germline.
Comment: This variant occurs in a non-coding region of the APC gene. It does not change the encoded amino acid sequence of the APC protein. This variant has not been reported in the literature in individuals affected with APC-related conditions. Experimental studies and prediction algorithms are not available or were not evaluated, and the functional significance of this variant is currently unknown. In summary, the available evidence is currently insufficient to determine the role of this variant in disease. Therefore, it has been classified as a Variant of Uncertain Significance.

NM_001127511.3(APC):c.-6C>T

Gene: APC (APC regulator of Wnt signaling pathway; plus strand). Cytogenetic location: 5q22.2.
Variant type: single nucleotide variant.
Coding change: c.-6C>T on transcript NM_001127511.3; 6 bases upstream of the start codon, C replaced by T.
Molecular consequence: 5 prime UTR variant. On other transcripts: non-coding transcript variant (1), intron variant (5).
Genome position (GRCh38, 1-based): chr5:112,707,712, C>T. VCF-style: chr5-112707712-C-T. GRCh37 (hg19) VCF-style: chr5-112043409-C-T.
Other names: c.-189C>T (NM_001354895.2, NM_001407447.1, NM_001407452.1 and 3 more transcripts); c.-6C>T (NM_001354897.2, NM_001354902.2, NM_001407446.1); c.-1224C>T (NM_001407470.1, NM_001407472.1); c.-19+63C>T (NM_001407448.1, NM_001407450.1, NM_001407457.1 and 1 more transcripts); c.-43+63C>T (NM_001407453.1).
Identifiers: ClinVar variation 2733386 (VCV002733386.3), dbSNP rs2149630388, ClinGen allele CA2697546390.